The following is an entry in ClinVar:

NC_000021.8:g.(?_36206697)_(36206908_?)del

Gene: RUNX1 (RUNX family transcription factor 1; minus strand). Cytogenetic location: 21q22.12.
Variant type: Deletion.
Identifiers: ClinVar variation 1067689 (VCV001067689.7).

ClinVar aggregate classification (germline): Likely pathogenic (1 of 4 stars; one submission).

Conditions:
Hereditary thrombocytopenia and hematological cancer predisposition syndrome associated with RUNX1. Also called: PLATELET DISORDER, ASPIRIN-LIKE; Familial Platelet Disorder with Propensity to Acute Myelogenous Leukemia; Familial thrombocytopenia with propensity to acute myelogenous leukemia; RUNX1 Familial Platelet Disorder with Associated Myeloid Malignancies. Identifiers: Orphanet 71290, MedGen C1832388, MeSH C563324, MONDO:0100083, OMIM 601399.

Submission:

Labcorp Genetics (formerly Invitae), Labcorp
Classification: Likely pathogenic for Hereditary thrombocytopenia and hematological cancer predisposition syndrome associated with RUNX1. Last evaluated: 2020-07-19. Review status: criteria provided, single submitter. Criteria: Invitae Variant Classification Sherloc (09022015). Collection method: clinical testing. Allele origin: germline.
Comment: This variant is an in-frame deletion of the genomic region encompassing exon(s) 7 of the RUNX1 gene. It preserves the integrity of the reading frame. This variant has not been reported in the literature in individuals with RUNX1-related conditions. Experimental studies have shown that this deletion (also known as ‚àÜ178-241 on the 453 amino acid isoform) results in decreased ability of RUNX1 to interact with transcriptional cofactor, p300, which has been shown to play an important role in RUNX1-dependent transcriptional regulation during differentiation of myeloid cells (PMID: 9606182). This gene is also known as AML1 in the literature. In summary, the currently available evidence indicates that the variant is pathogenic, but additional data are needed to prove that conclusively. Therefore, this variant has been classified as Likely Pathogenic.

Literature cited by the submitters: PubMed 9606182.